The following is an entry in ClinVar:

NM_182493.3(MYLK3):c.1314C>G (p.His438Gln)

Gene: MYLK3 (myosin light chain kinase 3; minus strand). Cytogenetic location: 16q11.2.
Variant type: single nucleotide variant.
Coding change: c.1314C>G on transcript NM_182493.3 (MANE Select); coding-DNA position 1314, C replaced by G.
Protein change: p.His438Gln; replaces histidine 438 with glutamine.
Molecular consequence: missense variant.
Genome position (GRCh38, 1-based): chr16:46,732,356, G>C on the plus strand (C>G on the coding strand, the complement: MYLK3 is on the minus strand). VCF-style: chr16-46732356-G-C. GRCh37 (hg19) VCF-style: chr16-46766268-G-C.
Other names: c.291C>G, p.His97Gln (NM_001308301.1); short protein forms H438Q, H97Q.
Identifiers: ClinVar variation 2488743 (VCV002488743.3), dbSNP rs147903366, ClinGen allele CA395792261.

ClinVar aggregate classification (germline): Uncertain significance. Review status: criteria provided, multiple submitters, no conflicts (2 of 4 stars). 2 submissions from 2 submitters: Uncertain significance (2). Last evaluated 2025-04-14.

gnomAD v4.1: 6 of 1,613,476 alleles (0.00037%); highest among the groups gnomAD compares: Non-Finnish European, 0.00051%; no homozygotes.

Submissions (2):

Labcorp Genetics (formerly Invitae), Labcorp
Classification: Uncertain significance. Last evaluated: 2025-04-14. Review status: criteria provided, single submitter. Criteria: Invitae Variant Classification Sherloc (09022015). Collection method: clinical testing. Allele origin: germline.
Comment: This sequence change replaces histidine, which is basic and polar, with glutamine, which is neutral and polar, at codon 438 of the MYLK3 protein (p.His438Gln). This variant is not present in population databases (gnomAD no frequency). This variant has not been reported in the literature in individuals affected with MYLK3-related conditions. ClinVar contains an entry for this variant (Variation ID: 2488743). An algorithm developed to predict the effect of missense changes on protein structure and function (PolyPhen-2) suggests that this variant is likely to be tolerated. In summary, the available evidence is currently insufficient to determine the role of this variant in disease. Therefore, it has been classified as a Variant of Uncertain Significance.

Ambry Genetics
Classification: Uncertain significance. Last evaluated: 2023-02-23. Review status: criteria provided, single submitter. Criteria: Ambry Variant Classification Scheme 2023. Collection method: clinical testing. Allele origin: germline.